The following is an entry in ClinVar:

ClinVar aggregate classification (germline): Conflicting classifications of pathogenicity. Review status: criteria provided, conflicting classifications (1 of 4 stars). 8 submissions from 8 submitters: Uncertain significance (4); Likely benign (2). 2 of the submissions do not count toward it. Last evaluated 2026-01-28.

Conditions:
PKHD1-related disorder. Also called: PKHD1-related condition.
Autosomal recessive polycystic kidney disease (ARPKD). Also called: AR polycystic kidney disease. Identifiers: Orphanet 731, Orphanet 8378, MedGen C0085548, MeSH D017044, MONDO:0009889.
Polycystic kidney disease 4 (PKD4). Also called: POLYCYSTIC KIDNEY AND HEPATIC DISEASE 1; POLYCYSTIC KIDNEY DISEASE, INFANTILE, TYPE I; POLYCYSTIC KIDNEY DISEASE 4 WITH OR WITHOUT POLYCYSTIC LIVER DISEASE; PKD3; Autosomal Recessive Polycystic Kidney Disease – PKHD1. Identifiers: MedGen C4540575, MONDO:0033004, OMIM 263200.

Allele frequency attached by ClinVar (database versions not stated): gnomAD exomes 0.00009 and 0.00021; ExAC 0.00028; ESP Exome Variant Server 0.00077; TOPMed 0.00101; gnomAD 0.00105 and 0.00113; 1000 Genomes Project 0.00200; 1000 Genomes Project 30x 0.00219.
gnomAD v4.1: 309 of 1,614,056 alleles (0.019%); highest among the groups gnomAD compares: African/African-American, 0.37%; 1 homozygote.

Submissions (8):

Labcorp Genetics (formerly Invitae), Labcorp
Classification: Likely benign for Autosomal recessive polycystic kidney disease. Last evaluated: 2026-01-28. Review status: criteria provided, single submitter. Criteria: Invitae Variant Classification Sherloc (09022015). Collection method: clinical testing. Allele origin: germline.

Myriad Genetics, Inc.
Classification: Uncertain significance for Polycystic kidney disease 4. Last evaluated: 2025-07-29. Review status: criteria provided, single submitter. Criteria: Myriad Autosomal Dominant, Autosomal Recessive and X-Linked Classification Criteria (2023). Collection method: clinical testing. Allele origin: unknown.
Comment: NM_138694.3(PKHD1):c.281+3A>G is an intronic variant classified as a variant of uncertain significance in the context of autosomal recessive polycystic kidney disease, PKHD1-related. c.281+3A>G has not been observed in cases with relevant disease. Relevant functional assessments of this variant are available in the literature (PMID: 39521997). c.281+3A>G has been observed in referenced population frequency databases. In summary, there is insufficient evidence to classify NM_138694.3(PKHD1):c.281+3A>G as pathogenic or benign. Please note: this variant was assessed in the context of healthy population screening.

GeneDx
Classification: Uncertain significance. Last evaluated: 2025-05-02. Review status: criteria provided, single submitter. Criteria: GeneDx Variant Classification Process June 2021. Collection method: clinical testing. Allele origin: germline. Affected: yes.
Comment: Has not been previously published as pathogenic or benign to our knowledge; In silico analysis supports a deleterious effect on splicing

Department of Pathology and Laboratory Medicine, Sinai Health System
Classification: Uncertain significance for autosomal recessive polycystic kidney disease. Last evaluated: 2024-07-03. Review status: criteria provided, single submitter. Criteria: ACMG Guidelines, 2015. Collection method: clinical testing. Allele origin: germline.

Mayo Clinic Laboratories, Mayo Clinic
Classification: Uncertain significance. Last evaluated: 2023-12-29. Review status: criteria provided, single submitter. Criteria: ACMG Guidelines, 2015. Collection method: clinical testing. Allele origin: germline. Observed: 1 variant allele.

Eurofins Ntd Llc (ga)
Classification: Likely benign. Last evaluated: 2016-10-25. Review status: criteria provided, single submitter. Criteria: EGL Classification Definitions 2015. Collection method: clinical testing. Allele origin: germline. Observed: 2 variant alleles, 2 heterozygotes.

PreventionGenetics, part of Exact Sciences
Classification: Likely benign for PKHD1-related condition. Last evaluated: 2022-12-27. Review status: no assertion criteria provided. Collection method: clinical testing. Allele origin: germline. Not counted in ClinVar's aggregate classification.
Comment: This variant is classified as likely benign based on ACMG/AMP sequence variant interpretation guidelines (Richards et al. 2015 PMID: 25741868, with internal and published modifications).

Natera, Inc.
Classification: Uncertain significance for Autosomal recessive polycystic kidney disease. Last evaluated: 2017-11-14. Review status: no assertion criteria provided. Collection method: clinical testing. Allele origin: germline. Not counted in ClinVar's aggregate classification.

Literature cited by the submitters: PubMed 39521997 (cited by Myriad Genetics, Inc.).

NM_138694.4(PKHD1):c.281+3A>G

Gene: PKHD1 (PKHD1 ciliary IPT domain containing fibrocystin/polyductin; minus strand). Cytogenetic location: 6p12.2.
Variant type: single nucleotide variant.
Coding change: c.281+3A>G on transcript NM_138694.4 (MANE Select); 3 bases into the intron after coding-DNA position 281, A replaced by G.
Molecular consequence: intron variant.
Genome position (GRCh38, 1-based): chr6:52,082,389, T>C on the plus strand (A>G on the coding strand, the complement: PKHD1 is on the minus strand). VCF-style: chr6-52082389-T-C. GRCh37 (hg19) VCF-style: chr6-51947187-T-C.
Other names: p.?; c.281+3A>G (NM_170724.3).
Identifiers: ClinVar variation 289883 (VCV000289883.26), dbSNP rs79803080, ClinGen allele CA3853983.
Genomic context (GRCh38, chr6:52,082,389, plus strand): 5'-AGATACTGAGATAAGCAAAAATCCCTCATCCTGTCTGGTCTTCCTATTCCCAGACAGGTA[T>C]ACCTGGTCCGGCATGTCACCACAGGCAAATCCAAGAAAACAGGAAAGACGTCACAGGGAA-3'